The following is an entry in ClinVar:

NM_001868.4(CPA1):c.201G>T (p.Val67=)

Gene: CPA1 (carboxypeptidase A1; plus strand). Cytogenetic location: 7q32.2.
Variant type: single nucleotide variant.
Coding change: c.201G>T on transcript NM_001868.4 (MANE Select); coding-DNA position 201, G replaced by T.
Protein change: p.Val67=; no amino-acid change (valine 67 retained).
Molecular consequence: synonymous variant.
Genome position (GRCh38, 1-based): chr7:130,381,683, G>T. VCF-style: chr7-130381683-G-T. GRCh37 (hg19) VCF-style: chr7-130021524-G-T.
Identifiers: ClinVar variation 1101830 (VCV001101830.12), dbSNP rs559471767, ClinGen allele CA4484727.

ClinVar aggregate classification (germline): Conflicting classifications of pathogenicity. Review status: criteria provided, conflicting classifications (1 of 4 stars). 2 submissions from 2 submitters: Uncertain significance (1); Likely benign (1). Last evaluated 2025-12-21.

Conditions:
Hereditary pancreatitis (PCTT). Also called: Hereditary chronic pancreatitis; PRSS1-Related Hereditary Pancreatitis. Identifiers: Orphanet 676, MedGen C0238339, MONDO:0008185, OMIM 167800.

Allele frequency attached by ClinVar (database versions not stated): gnomAD 0.00001 and 0.00003; gnomAD exomes 0.00002 and 0.00011; TOPMed 0.00005; ExAC 0.00009; 1000 Genomes Project 30x 0.00047; 1000 Genomes Project 0.00060.
gnomAD v4.1: 32 of 1,614,046 alleles (0.002%); highest among the groups gnomAD compares: East Asian, 0.067%; no homozygotes.

Submissions (2):

Labcorp Genetics (formerly Invitae), Labcorp
Classification: Likely benign. Last evaluated: 2025-12-21. Review status: criteria provided, single submitter. Criteria: Invitae Variant Classification Sherloc (09022015). Collection method: clinical testing. Allele origin: germline.

Ambry Genetics
Classification: Uncertain significance for Hereditary pancreatitis. Last evaluated: 2024-04-25. Review status: criteria provided, single submitter. Criteria: Ambry Variant Classification Scheme 2023. Collection method: clinical testing. Allele origin: germline.
Comment: The c.201G>T variant (also known as p.V67V), located in coding exon 3 of the CPA1 gene, results from a G to T substitution at nucleotide position 201. This nucleotide substitution does not change the valine at codon 67. This nucleotide position is well conserved in available vertebrate species. In silico splice site analysis predicts that this alteration may result in the creation or strengthening of a novel splice acceptor site. Based on the available evidence, the clinical significance of this variant remains unclear.